The following is an entry in ClinVar:

NM_001206927.2(DNAH8):c.1715A>G (p.Glu572Gly)

Gene: DNAH8 (dynein axonemal heavy chain 8; plus strand). Cytogenetic location: 6p21.2.
Variant type: single nucleotide variant.
Coding change: c.1715A>G on transcript NM_001206927.2 (MANE Select); coding-DNA position 1715, A replaced by G.
Protein change: p.Glu572Gly; replaces glutamic acid 572 with glycine.
Molecular consequence: missense variant.
Genome position (GRCh38, 1-based): chr6:38,770,510, A>G. VCF-style: chr6-38770510-A-G. GRCh37 (hg19) VCF-style: chr6-38738286-A-G.
Other names: c.1064A>G, p.Glu355Gly (NM_001371.4); short protein forms E355G, E572G.
Identifiers: ClinVar variation 1407786 (VCV001407786.14), dbSNP rs2127621449, ClinGen allele CA363988069.
Genomic context (GRCh38, chr6:38,770,510, plus strand): 5'-TTCATAAAACAAGGAAACTGATTTCAGAATCCTCAGGGGAAAAATCTTTTGAGGTTTCAG[A>G]AATGTATATATTTGGAAAATTTGAAGCTTTTTGCAAAAGACTGGAGAAGGTAAGCATTAT-3'
Protein context (NP_001193856.1, residues 562-582): SSGEKSFEVS[Glu572Gly]MYIFGKFEAF

ClinVar aggregate classification (germline): Uncertain significance (1 of 4 stars; one submission).

Conditions:
Primary ciliary dyskinesia. Also called: Ciliary dyskinesia. Identifiers: Orphanet 244, MedGen C0008780, MONDO:0016575, HP:0012265.

Submission:

Labcorp Genetics (formerly Invitae), Labcorp
Classification: Uncertain significance for Primary ciliary dyskinesia. Last evaluated: 2023-11-28. Review status: criteria provided, single submitter. Criteria: Invitae Variant Classification Sherloc (09022015). Collection method: clinical testing. Allele origin: germline.
Comment: This sequence change replaces glutamic acid, which is acidic and polar, with glycine, which is neutral and non-polar, at codon 572 of the DNAH8 protein (p.Glu572Gly). This variant is not present in population databases (gnomAD no frequency). This variant has not been reported in the literature in individuals affected with DNAH8-related conditions. ClinVar contains an entry for this variant (Variation ID: 1407786). Experimental studies and prediction algorithms are not available or were not evaluated, and the functional significance of this variant is currently unknown. In summary, the available evidence is currently insufficient to determine the role of this variant in disease. Therefore, it has been classified as a Variant of Uncertain Significance.